The following is an entry in ClinVar:

NM_021930.6(RINT1):c.631G>C (p.Gly211Arg)

Gene: RINT1 (RAD50 interactor 1; plus strand). Cytogenetic location: 7q22.3.
Variant type: single nucleotide variant.
Coding change: c.631G>C on transcript NM_021930.6 (MANE Select); coding-DNA position 631, G replaced by C.
Protein change: p.Gly211Arg; replaces glycine 211 with arginine.
Molecular consequence: missense variant. On other transcripts: 5 prime UTR variant (2), non-coding transcript variant (1), intron variant (1).
Genome position (GRCh38, 1-based): chr7:105,547,025, G>C. VCF-style: chr7-105547025-G-C. GRCh37 (hg19) VCF-style: chr7-105187472-G-C.
Other names: c.397G>C, p.Gly133Arg (NM_001346599.2); c.-389G>C (NM_001346600.2); c.-292G>C (NM_001346601.2); c.-27-3030G>C (NM_001346603.2); short protein forms G133R, G211R.
Identifiers: ClinVar variation 3227664 (VCV003227664.1), dbSNP rs2485122982, ClinGen allele CA368805686.

ClinVar aggregate classification (germline): Uncertain significance (1 of 4 stars; one submission).

Submission:

Ambry Genetics
Classification: Uncertain significance. Last evaluated: 2023-11-10. Review status: criteria provided, single submitter. Criteria: Ambry Variant Classification Scheme 2023. Collection method: clinical testing. Allele origin: germline.
Comment: The p.G211R variant (also known as c.631G>C), located in coding exon 5 of the RINT1 gene, results from a G to C substitution at nucleotide position 631. The glycine at codon 211 is replaced by arginine, an amino acid with dissimilar properties. This amino acid position is conserved. In addition, this alteration is predicted to be tolerated by in silico analysis. Since supporting evidence is limited at this time, the clinical significance of this alteration remains unclear.